The following is an entry in ClinVar:

NM_006662.3(SRCAP):c.5640T>A (p.Pro1880=)

Gene: SRCAP (Snf2 related CREBBP activator protein; plus strand). Cytogenetic location: 16p11.2.
Variant type: single nucleotide variant.
Coding change: c.5640T>A on transcript NM_006662.3 (MANE Select); coding-DNA position 5640, T replaced by A.
Protein change: p.Pro1880=; no amino-acid change (proline 1880 retained).
Molecular consequence: synonymous variant.
Genome position (GRCh38, 1-based): chr16:30,725,064, T>A. VCF-style: chr16-30725064-T-A. GRCh37 (hg19) VCF-style: chr16-30736385-T-A.
Identifiers: ClinVar variation 2646401 (VCV002646401.24), dbSNP rs2053051038, ClinGen allele CA494674371.

ClinVar aggregate classification (germline): Likely benign (1 of 4 stars; one submission).

Submission:

CeGaT Center for Human Genetics Tuebingen
Classification: Likely benign. Last evaluated: 2022-11-01. Review status: criteria provided, single submitter. Criteria: CeGaT Center For Human Genetics Tuebingen Variant Classification Criteria Version 2. Collection method: clinical testing. Allele origin: germline. Affected: yes. Observed: 1 variant allele.
Comment: SRCAP: PM2:Supporting, BP4, BP7